The following is an entry in ClinVar:

ClinVar aggregate classification (germline): Uncertain significance (1 of 4 stars; one submission).

Conditions:
Early-infantile DEE. Also called: Early infantile epileptic encephalopathy; Ohtahara syndrome; Early infantile epileptic encephalopathy with suppression bursts. Identifiers: Orphanet 1934, MedGen C0393706, MONDO:0800491.

Allele frequency attached by ClinVar (database versions not stated): gnomAD exomes below 0.00001 and 0.00001; gnomAD 0.00001; TOPMed 0.00001; ExAC 0.00002; ESP Exome Variant Server 0.00008.
gnomAD v4.1: 6 of 1,613,868 alleles (0.00037%); highest among the groups gnomAD compares: African/African-American, 0.0013%; no homozygotes.

Submission:

Labcorp Genetics (formerly Invitae), Labcorp
Classification: Uncertain significance for Early-infantile DEE. Last evaluated: 2025-11-03. Review status: criteria provided, single submitter. Criteria: Invitae Variant Classification Sherloc (09022015). Collection method: clinical testing. Allele origin: germline.
Comment: This sequence change replaces arginine, which is basic and polar, with glutamine, which is neutral and polar, at codon 102 of the CACNA2D2 protein (p.Arg102Gln). This variant is present in population databases (rs376677841, gnomAD 0.01%). This variant has not been reported in the literature in individuals affected with CACNA2D2-related conditions. ClinVar contains an entry for this variant (Variation ID: 1406021). An algorithm developed to predict the effect of missense changes on protein structure and function (PolyPhen-2) suggests that this variant is likely to be disruptive. In summary, the available evidence is currently insufficient to determine the role of this variant in disease. Therefore, it has been classified as a Variant of Uncertain Significance.

NM_006030.4(CACNA2D2):c.305G>A (p.Arg102Gln)

Gene: CACNA2D2 (calcium voltage-gated channel auxiliary subunit alpha2delta 2; minus strand). Cytogenetic location: 3p21.31.
Variant type: single nucleotide variant.
Coding change: c.305G>A on transcript NM_006030.4 (MANE Select); coding-DNA position 305, G replaced by A.
Protein change: p.Arg102Gln; replaces arginine 102 with glutamine.
Molecular consequence: missense variant.
Genome position (GRCh38, 1-based): chr3:50,434,413, C>T on the plus strand (G>A on the coding strand, the complement: CACNA2D2 is on the minus strand). VCF-style: chr3-50434413-C-T. GRCh37 (hg19) VCF-style: chr3-50471844-C-T.
Other names: c.305G>A, p.Arg102Gln (NM_001005505.3, NM_001174051.3); c.98G>A, p.Arg33Gln (NM_001291101.1); short protein forms R33Q, R102Q.
Identifiers: ClinVar variation 1406021 (VCV001406021.6), dbSNP rs376677841, ClinGen allele CA2419258.